The following is an entry in ClinVar:

NM_001946.4(DUSP6):c.358A>C (p.Lys120Gln)

Genes: DUSP6 (dual specificity phosphatase 6; minus strand), POC1B-DUSP6 (POC1B-DUSP6 readthrough; minus strand). Cytogenetic location: 12q21.33.
Variant type: single nucleotide variant.
Coding change: c.358A>C on transcript NM_001946.4 (MANE Select); coding-DNA position 358, A replaced by C.
Protein change: p.Lys120Gln; replaces lysine 120 with glutamine.
Molecular consequence: missense variant.
Genome position (GRCh38, 1-based): chr12:89,351,682, T>G on the plus strand (A>C on the coding strand, the complement: DUSP6 is on the minus strand). VCF-style: chr12-89351682-T-G. GRCh37 (hg19) VCF-style: chr12-89745459-T-G.
Other names: c.358A>C, p.Lys120Gln (NM_022652.4); short protein forms K120Q.
Identifiers: ClinVar variation 1446307 (VCV001446307.8), dbSNP rs1440429357, ClinGen allele CA385989631.

ClinVar aggregate classification (germline): Uncertain significance (1 of 4 stars; one submission).

Allele frequency attached by ClinVar (database versions not stated): gnomAD exomes below 0.00001; TOPMed 0.00002.

Submission:

Labcorp Genetics (formerly Invitae), Labcorp
Classification: Uncertain significance. Last evaluated: 2023-11-27. Review status: criteria provided, single submitter. Criteria: Invitae Variant Classification Sherloc (09022015). Collection method: clinical testing. Allele origin: germline.
Comment: This sequence change replaces lysine, which is basic and polar, with glutamine, which is neutral and polar, at codon 120 of the DUSP6 protein (p.Lys120Gln). The frequency data for this variant in the population databases is considered unreliable, as metrics indicate poor data quality at this position in the gnomAD database. This variant has not been reported in the literature in individuals affected with DUSP6-related conditions. ClinVar contains an entry for this variant (Variation ID: 1446307). Advanced modeling of protein sequence and biophysical properties (such as structural, functional, and spatial information, amino acid conservation, physicochemical variation, residue mobility, and thermodynamic stability) performed at Invitae indicates that this missense variant is not expected to disrupt DUSP6 protein function with a negative predictive value of 80%. In summary, the available evidence is currently insufficient to determine the role of this variant in disease. Therefore, it has been classified as a Variant of Uncertain Significance.